The following is an entry in ClinVar:

ClinVar aggregate classification (germline): Uncertain significance. Review status: criteria provided, multiple submitters, no conflicts (2 of 4 stars). 5 submissions from 5 submitters: Uncertain significance (5). Last evaluated 2025-01-31.

Conditions:
Fanconi anemia (FA). Also called: Fanconi's anemia. Identifiers: Orphanet 84, MedGen C0015625, MeSH D005199, MONDO:0019391.
Inborn genetic diseases. Identifiers: MedGen C0950123, MeSH D030342.
Spermatogenic failure 28. Identifiers: MedGen C4748117, MONDO:0054732, OMIM 618086.
Premature ovarian failure 15. Identifiers: MedGen C4748170, MONDO:0054862, OMIM 618096.

Allele frequency attached by ClinVar (database versions not stated): ExAC 0.00001; gnomAD 0.00001; gnomAD exomes 0.00001; TOPMed 0.00001.
gnomAD v4.1: 15 of 1,609,996 alleles (0.00093%); highest among the groups gnomAD compares: African/African-American, 0.0013%; no homozygotes.

Submissions (5):

GeneDx
Classification: Uncertain significance. Last evaluated: 2025-01-31. Review status: criteria provided, single submitter. Criteria: GeneDx Variant Classification Process June 2021. Collection method: clinical testing. Allele origin: germline. Affected: yes.
Comment: Not observed at significant frequency in large population cohorts (gnomAD); In silico analysis supports that this missense variant has a deleterious effect on protein structure/function; Has not been previously published as pathogenic or benign to our knowledge

Ambry Genetics
Classification: Uncertain significance for Inborn genetic diseases. Last evaluated: 2024-11-22. Review status: criteria provided, single submitter. Criteria: Ambry Variant Classification Scheme 2023. Collection method: clinical testing. Allele origin: germline.
Comment: The p.H1285R variant (also known as c.3854A>G), located in coding exon 14 of the FANCM gene, results from an A to G substitution at nucleotide position 3854. The histidine at codon 1285 is replaced by arginine, an amino acid with highly similar properties. This amino acid position is conserved. In addition, this alteration is predicted to be tolerated by in silico analysis. Based on the available evidence, the clinical significance of this variant remains unclear.

Labcorp Genetics (formerly Invitae), Labcorp
Classification: Uncertain significance for Fanconi anemia. Last evaluated: 2023-04-06. Review status: criteria provided, single submitter. Criteria: Invitae Variant Classification Sherloc (09022015). Collection method: clinical testing. Allele origin: germline.
Comment: In summary, the available evidence is currently insufficient to determine the role of this variant in disease. Therefore, it has been classified as a Variant of Uncertain Significance. An algorithm developed to predict the effect of missense changes on protein structure and function (PolyPhen-2) suggests that this variant is likely to be tolerated. ClinVar contains an entry for this variant (Variation ID: 837024). This variant has not been reported in the literature in individuals affected with FANCM-related conditions. This variant is present in population databases (rs749696321, gnomAD 0.004%). This sequence change replaces histidine, which is basic and polar, with arginine, which is basic and polar, at codon 1285 of the FANCM protein (p.His1285Arg).

Fulgent Genetics
Classification: Uncertain significance for Spermatogenic failure 28; Premature ovarian failure 15. Last evaluated: 2022-05-10. Review status: criteria provided, single submitter. Criteria: ACMG Guidelines, 2015. Collection method: clinical testing. Allele origin: unknown.

Quest Diagnostics Nichols Institute San Juan Capistrano
Classification: Uncertain significance. Last evaluated: 2021-08-06. Review status: criteria provided, single submitter. Criteria: Quest Diagnostics criteria. Collection method: clinical testing. Allele origin: unknown.

NM_020937.4(FANCM):c.3854A>G (p.His1285Arg)

Gene: FANCM (FA complementation group M; plus strand). Cytogenetic location: 14q21.2.
Variant type: single nucleotide variant.
Coding change: c.3854A>G on transcript NM_020937.4 (MANE Select); coding-DNA position 3854, A replaced by G.
Protein change: p.His1285Arg; replaces histidine 1285 with arginine.
Molecular consequence: missense variant.
Genome position (GRCh38, 1-based): chr14:45,176,608, A>G. VCF-style: chr14-45176608-A-G. GRCh37 (hg19) VCF-style: chr14-45645811-A-G.
Other names: c.3776A>G, p.His1259Arg (NM_001308133.2); short protein forms H1285R, H1259R.
Identifiers: ClinVar variation 837024 (VCV000837024.12), dbSNP rs749696321, ClinGen allele CA7169585.